The following is an entry in ClinVar:

ClinVar aggregate classification (germline): Likely pathogenic (1 of 4 stars; one submission).

Conditions:
Juvenile myelomonocytic leukemia (JMML). Also called: LEUKEMIA, JUVENILE MYELOMONOCYTIC, SOMATIC. Identifiers: Orphanet 86834, MedGen C0349639, MONDO:0011908, OMIM 607785, HP:0012209.
Neurofibromatosis, type 1 (NF1). Also called: VON RECKLINGHAUSEN DISEASE; Neurofibromatosis, type I; NEUROFIBROMATOSIS, TYPE I, SOMATIC; Peripheral type neurofibromatosis. Identifiers: Orphanet 636, MedGen C0027831, MONDO:0018975, OMIM 162200. Disease mechanism: loss of function.
Neurofibromatosis-Noonan syndrome (NFNS). Also called: NEUROFIBROMATOSIS WITH NOONAN PHENOTYPE. Identifiers: Orphanet 638, MedGen C2931482, MONDO:0011035, OMIM 601321. Disease mechanism: loss of function.
Café-au-lait macules with pulmonary stenosis (WTSN). Also called: PULMONIC STENOSIS WITH CAFE-AU-LAIT SPOTS. Identifiers: MedGen C0553586, MONDO:0008672, OMIM 193520.
Neurofibromatosis, familial spinal (FSNF). Identifiers: Orphanet 636, MedGen C1834235, MONDO:0008078, OMIM 162210. Disease mechanism: loss of function.

Submission:

Juno Genomics, Hangzhou Juno Genomics, Inc
Classification: Likely pathogenic for Café-au-lait macules with pulmonary stenosis; Neurofibromatosis, type 1; Juvenile myelomonocytic leukemia; Neurofibromatosis, familial spinal; Neurofibromatosis-Noonan syndrome. Review status: criteria provided, single submitter. Criteria: ACMG Guidelines, 2015. Collection method: clinical testing. Allele origin: germline. Affected: yes.
Comment: Absent from controls (or at extremely low frequency if recessive) in Genome Aggregation Database, Exome Sequencing Project, 1000 Genomes Project, or Exome Aggregation Consortium.;Protein length changes due to in-frame deletions/insertions in a non-repeat region or stop-loss variants.;Located in a mutational hot spot and/or critical and well-established functional domain (e.g. active site of an enzyme) without benign variation.;Patient's phenotype or family history is highly specific for a disease with a single genetic etiology.

NM_001042492.3(NF1):c.2088_2095delinsTC (p.Trp696_Asp699delinsCysHis)

Gene: NF1 (neurofibromin 1; plus strand). Cytogenetic location: 17q11.2.
Variant type: Indel.
Coding change: c.2088_2095delinsTC on transcript NM_001042492.3 (MANE Select); coding-DNA positions 2088 to 2095, GAACCCTG replaced by TC.
Protein change: p.Trp696_Asp699delinsCysHis.
Molecular consequence: inframe indel.
Genome position (GRCh38, 1-based): chr17:31,226,521-31,226,528, GAACCCTG replaced by TC. VCF-style: chr17-31226521-GAACCCTG-TC. GRCh37 (hg19) VCF-style: chr17-29553539-GAACCCTG-TC.
Other names: c.2088_2095delinsTC, p.Trp696_Asp699delinsCysHis (NM_000267.4).
Identifiers: ClinVar variation 4796602 (VCV004796602.1).